The following is an entry in ClinVar:

ClinVar aggregate classification (germline): Pathogenic (1 of 4 stars; one submission).

Conditions:
Cardiovascular phenotype. Identifiers: MedGen CN230736.

Submission:

Ambry Genetics
Classification: Pathogenic for Cardiovascular phenotype. Last evaluated: 2023-05-12. Review status: criteria provided, single submitter. Criteria: Ambry Variant Classification Scheme 2023. Collection method: clinical testing. Allele origin: germline.
Comment: The c.2736_2751del16 pathogenic mutation, located in coding exon 12 of the KCNH2 gene, results from a deletion of 16 nucleotides at nucleotide positions 2736 to 2751, causing a translational frameshift with a predicted alternate stop codon (p.A913Vfs*56). In a study of long QT syndrome clinical genetic testing, this alteration was reported in one patient; however, clinical details were limited (Kapplinger JD et al. Heart Rhythm. 2009;6:1297-303). This variant is considered to be rare based on population cohorts in the Genome Aggregation Database (gnomAD). In addition to the clinical data presented in the literature, this alteration is expected to result in loss of function by premature protein truncation or nonsense-mediated mRNA decay. As such, this alteration is interpreted as a disease-causing mutation.

Literature cited by the submitters: PubMed 19716085.

NM_000238.4(KCNH2):c.2736_2751del (p.Ala913fs)

Gene: KCNH2 (potassium voltage-gated channel subfamily H member 2; minus strand). Cytogenetic location: 7q36.1.
Variant type: Deletion.
Coding change: c.2736_2751del on transcript NM_000238.4 (MANE Select); coding-DNA positions 2736 to 2751, 16 bases deleted (GGCGGGGGCAGGGCCG).
Protein change: p.Ala913fs; shifts the reading frame from alanine 913.
Molecular consequence: frameshift variant.
Genome position (GRCh38, 1-based): chr7:150,947,820-150,947,835, CGGCCCTGCCCCCGCC deleted on the plus strand (GGCGGGGGCAGGGCCG on the coding strand, the reverse complement: KCNH2 is on the minus strand); deleting any 16 consecutive bases within chr7:150,947,820-150,947,841 gives the same sequence; the c. name uses the placement nearest the transcript's 3' end. VCF-style (leftmost placement, unchanged base first): chr7-150947819-TCGGCCCTGCCCCCGCC-T. GRCh37 (hg19) VCF-style: chr7-150644907-TCGGCCCTGCCCCCGCC-T.
Other names: c.2442_2457del16, p.Ala817Valfs (NM_001406753.1); c.1716_1731del, p.Ala573fs (NM_172057.3); c.2736_2751del16 (NM_000238.3); short protein forms A573fs, A913fs.
Identifiers: ClinVar variation 1795334 (VCV001795334.3), dbSNP rs2486008179, ClinGen allele CA2580077747.